The following is an entry in ClinVar:

NM_024757.5(EHMT1):c.230C>T (p.Ala77Val)

Gene: EHMT1 (euchromatic histone lysine methyltransferase 1; plus strand). Cytogenetic location: 9q34.3.
Variant type: single nucleotide variant.
Coding change: c.230C>T on transcript NM_024757.5 (MANE Select); coding-DNA position 230, C replaced by T.
Protein change: p.Ala77Val; replaces alanine 77 with valine.
Molecular consequence: missense variant.
Genome position (GRCh38, 1-based): chr9:137,716,770, C>T. VCF-style: chr9-137716770-C-T. GRCh37 (hg19) VCF-style: chr9-140611222-C-T.
Other names: c.230C>T, p.Ala77Val (NM_001145527.2, NM_001354263.2, NM_001354611.2); c.137C>T, p.Ala46Val (NM_001354259.2, NM_001354612.2); short protein forms A77V, A46V.
Identifiers: ClinVar variation 2974796 (VCV002974796.3), dbSNP rs762442350, ClinGen allele CA375763461.

ClinVar aggregate classification (germline): Uncertain significance (1 of 4 stars; one submission).

Conditions:
Kleefstra syndrome 1 (KLEFS1). Identifiers: Orphanet 261494, MedGen C0795833, MONDO:0027407, OMIM 610253.

gnomAD v4.1: 22 of 1,613,128 alleles (0.0014%); highest among the groups gnomAD compares: Non-Finnish European, 0.0019%; no homozygotes.

Submission:

Labcorp Genetics (formerly Invitae), Labcorp
Classification: Uncertain significance for Kleefstra syndrome 1. Last evaluated: 2023-08-16. Review status: criteria provided, single submitter. Criteria: Invitae Variant Classification Sherloc (09022015). Collection method: clinical testing. Allele origin: germline.
Comment: In summary, the available evidence is currently insufficient to determine the role of this variant in disease. Therefore, it has been classified as a Variant of Uncertain Significance. Algorithms developed to predict the effect of missense changes on protein structure and function output the following: SIFT: "Not Available"; PolyPhen-2: "Benign"; Align-GVGD: "Not Available". The valine amino acid residue is found in multiple mammalian species, which suggests that this missense change does not adversely affect protein function. This variant has not been reported in the literature in individuals affected with EHMT1-related conditions. This variant is not present in population databases (gnomAD no frequency). This sequence change replaces alanine, which is neutral and non-polar, with valine, which is neutral and non-polar, at codon 77 of the EHMT1 protein (p.Ala77Val).